The following is an entry in ClinVar:

NM_001235.5(SERPINH1):c.94A>G (p.Thr32Ala)

Gene: SERPINH1 (serpin family H member 1; plus strand). Cytogenetic location: 11q13.5.
Variant type: single nucleotide variant.
Coding change: c.94A>G on transcript NM_001235.5 (MANE Select); coding-DNA position 94, A replaced by G.
Protein change: p.Thr32Ala; replaces threonine 32 with alanine.
Molecular consequence: missense variant.
Genome position (GRCh38, 1-based): chr11:75,566,443, A>G. VCF-style: chr11-75566443-A-G. GRCh37 (hg19) VCF-style: chr11-75277488-A-G.
Other names: c.94A>G, p.Thr32Ala (NM_001207014.3); short protein forms T32A.
Identifiers: ClinVar variation 1351641 (VCV001351641.8), dbSNP rs2135551157, ClinGen allele CA381888830.

ClinVar aggregate classification (germline): Uncertain significance (1 of 4 stars; one submission).

Allele frequency attached by ClinVar (database versions not stated): gnomAD exomes 0.00001.
gnomAD v4.1: 5 of 1,612,234 alleles (0.00031%); highest among the groups gnomAD compares: Non-Finnish European, 0.00042%; no homozygotes.

Submission:

Labcorp Genetics (formerly Invitae), Labcorp
Classification: Uncertain significance. Last evaluated: 2022-06-03. Review status: criteria provided, single submitter. Criteria: Invitae Variant Classification Sherloc (09022015). Collection method: clinical testing. Allele origin: germline.
Comment: This sequence change replaces threonine, which is neutral and polar, with alanine, which is neutral and non-polar, at codon 32 of the SERPINH1 protein (p.Thr32Ala). This variant is not present in population databases (gnomAD no frequency). This variant has not been reported in the literature in individuals affected with SERPINH1-related conditions. ClinVar contains an entry for this variant (Variation ID: 1351641). Advanced modeling of protein sequence and biophysical properties (such as structural, functional, and spatial information, amino acid conservation, physicochemical variation, residue mobility, and thermodynamic stability) performed at Invitae indicates that this missense variant is not expected to disrupt SERPINH1 protein function. In summary, the available evidence is currently insufficient to determine the role of this variant in disease. Therefore, it has been classified as a Variant of Uncertain Significance.